The following is an entry in ClinVar:

ClinVar aggregate classification (germline): Uncertain significance (1 of 4 stars; one submission).

Submission:

GeneDx
Classification: Uncertain significance. Last evaluated: 2026-08-19. Review status: criteria provided, single submitter. Criteria: GeneDx Variant Classification Process June 2021. Collection method: clinical testing. Allele origin: germline.
Comment: Has not been previously published as pathogenic or benign to our knowledge; Not observed at significant frequency in large population cohorts (gnomAD); In silico analysis suggests that this missense variant does not alter protein structure/function

NM_181552.4(CUX1):c.2815A>C (p.Met939Leu)

Gene: CUX1 (cut like homeobox 1; plus strand). Cytogenetic location: 7q22.1.
Variant type: single nucleotide variant.
Coding change: c.2815A>C on transcript NM_181552.4 (MANE Select); coding-DNA position 2815, A replaced by C.
Protein change: p.Met939Leu; replaces methionine 939 with leucine.
Molecular consequence: missense variant. On other transcripts: intron variant (5).
Genome position (GRCh38, 1-based): chr7:102,202,112, A>C. VCF-style: chr7-102202112-A-C. GRCh37 (hg19) VCF-style: chr7-101845392-A-C.
Other names: c.2848A>C, p.Met950Leu (NM_001202543.2); c.1255+6509A>C (NM_001913.5); c.1249+6509A>C (NM_181500.4); c.1117+6509A>C (NM_001202545.3); c.1207+6509A>C (NM_001202544.3); c.1138+6509A>C (NM_001202546.3); short protein forms M939L, M950L.
Identifiers: ClinVar variation 3372814 (VCV003372814.2).